The following is an entry in ClinVar:

NM_001625.4(AK2):c.494A>G (p.Asp165Gly)

Gene: AK2 (adenylate kinase 2; minus strand). Cytogenetic location: 1p35.1.
Variant type: single nucleotide variant.
Coding change: c.494A>G on transcript NM_001625.4 (MANE Select); coding-DNA position 494, A replaced by G.
Protein change: p.Asp165Gly; replaces aspartic acid 165 with glycine.
Molecular consequence: missense variant. On other transcripts: synonymous variant (1), non-coding transcript variant (1).
Genome position (GRCh38, 1-based): chr1:33,014,526, T>C on the plus strand (A>G on the coding strand, the complement: AK2 is on the minus strand). VCF-style: chr1-33014526-T-C. GRCh37 (hg19) VCF-style: chr1-33480127-T-C.
Other names: c.470A>G, p.Asp157Gly (NM_001199199.3); c.350A>G, p.Asp117Gly (NM_001319139.3, NM_001319140.2); c.494A>G, p.Asp165Gly (NM_001319141.3, NM_013411.5); c.368A>G, p.Asp123Gly (NM_001319142.3); c.399A>G, p.Arg133= (NM_001319143.2); short protein forms D165G, D123G, D157G, D117G.
Identifiers: ClinVar variation 18256 (VCV000018256.4), dbSNP rs267606643, ClinGen allele CA127994.

ClinVar aggregate classification (germline): Pathogenic. Review status: criteria provided, single submitter (1 of 4 stars). 2 submissions from 2 submitters: Pathogenic (1). 1 of the submissions does not count toward it. Last evaluated 2025-01-08.

Conditions:
Reticular dysgenesis. Also called: ALEUKOCYTOSIS; CONGENITAL ALEUKIA; HEMATOPOIETIC HYPOPLASIA, GENERALIZED; RETICULAR DYSGENESIA; SEVERE COMBINED IMMUNODEFICIENCY WITH LEUKOPENIA; DeVaal disease. Identifiers: Orphanet 33355, MedGen C0272167, MONDO:0009973, OMIM 267500.

gnomAD v4.1: 3 of 1,612,414 alleles (0.00019%); no homozygotes.

Submissions (2):

Labcorp Genetics (formerly Invitae), Labcorp
Classification: Pathogenic for Reticular dysgenesis. Last evaluated: 2025-01-08. Review status: criteria provided, single submitter. Criteria: Invitae Variant Classification Sherloc (09022015). Collection method: clinical testing. Allele origin: germline.
Comment: This sequence change replaces aspartic acid, which is acidic and polar, with glycine, which is neutral and non-polar, at codon 165 of the AK2 protein (p.Asp165Gly). This variant is not present in population databases (gnomAD no frequency). This missense change has been observed in individual(s) with severe combined immunodeficiency (PMID: 19043416). This variant is also known as c.546A>G. ClinVar contains an entry for this variant (Variation ID: 18256). An algorithm developed to predict the effect of missense changes on protein structure and function (PolyPhen-2) suggests that this variant is likely to be disruptive. Algorithms developed to predict the effect of sequence changes on RNA splicing suggest that this variant may disrupt the consensus splice site. For these reasons, this variant has been classified as Pathogenic.

OMIM
Classification: Pathogenic for RETICULAR DYSGENESIS. Last evaluated: 2009-01-01. Review status: no assertion criteria provided. Collection method: literature only. Allele origin: germline. Not counted in ClinVar's aggregate classification.

Literature cited by the submitters: PubMed 19043416 (cited by Labcorp Genetics (formerly Invitae), Labcorp and OMIM).